The following is an entry in ClinVar:

NM_001605.3(AARS1):c.380G>T (p.Gly127Val)

Gene: AARS1 (alanyl-tRNA synthetase 1; minus strand). Cytogenetic location: 16q22.1.
Variant type: single nucleotide variant.
Coding change: c.380G>T on transcript NM_001605.3 (MANE Select); coding-DNA position 380, G replaced by T.
Protein change: p.Gly127Val; replaces glycine 127 with valine.
Molecular consequence: missense variant.
Genome position (GRCh38, 1-based): chr16:70,276,585, C>A on the plus strand (G>T on the coding strand, the complement: AARS1 is on the minus strand). VCF-style: chr16-70276585-C-A. GRCh37 (hg19) VCF-style: chr16-70310488-C-A.
Other names: short protein forms G127V.
Identifiers: ClinVar variation 3006628 (VCV003006628.4), dbSNP rs1960557347, ClinGen allele CA396568985.

ClinVar aggregate classification (germline): Uncertain significance. Review status: criteria provided, multiple submitters, no conflicts (2 of 4 stars). 2 submissions from 2 submitters: Uncertain significance (2). Last evaluated 2024-09-30.

Conditions:
Charcot-Marie-Tooth disease type 2. Also called: Charcot-Marie-Tooth type 2. Identifiers: Orphanet 64746, MedGen C0270914, MONDO:0018993.

Submissions (2):

Labcorp Genetics (formerly Invitae), Labcorp
Classification: Uncertain significance for Charcot-Marie-Tooth disease type 2. Last evaluated: 2024-09-30. Review status: criteria provided, single submitter. Criteria: Invitae Variant Classification Sherloc (09022015). Collection method: clinical testing. Allele origin: germline.
Comment: This sequence change replaces glycine, which is neutral and non-polar, with valine, which is neutral and non-polar, at codon 127 of the AARS protein (p.Gly127Val). This variant is not present in population databases (gnomAD no frequency). This variant has not been reported in the literature in individuals affected with AARS-related conditions. Invitae Evidence Modeling of protein sequence and biophysical properties (such as structural, functional, and spatial information, amino acid conservation, physicochemical variation, residue mobility, and thermodynamic stability) has been performed for this missense variant. However, the output from this modeling did not meet the statistical confidence thresholds required to predict the impact of this variant on AARS protein function. In summary, the available evidence is currently insufficient to determine the role of this variant in disease. Therefore, it has been classified as a Variant of Uncertain Significance.

Kariminejad - Najmabadi Pathology & Genetics Center
Classification: Uncertain significance. Last evaluated: 2019-07-25. Review status: criteria provided, single submitter. Criteria: ACMG Guidelines, 2015. Collection method: clinical testing. Allele origin: germline. Inheritance: Autosomal dominant inheritance. Affected: yes.
Comment: PM1, PP3